The following is an entry in ClinVar:

NM_144999.4(LRRC45):c.180C>G (p.Cys60Trp)

Gene: LRRC45 (leucine rich repeat containing 45; plus strand). Cytogenetic location: 17q25.3.
Variant type: single nucleotide variant.
Coding change: c.180C>G on transcript NM_144999.4 (MANE Select); coding-DNA position 180, C replaced by G.
Protein change: p.Cys60Trp; replaces cysteine 60 with tryptophan.
Molecular consequence: missense variant.
Genome position (GRCh38, 1-based): chr17:82,023,823, C>G. VCF-style: chr17-82023823-C-G. GRCh37 (hg19) VCF-style: chr17-79981699-C-G.
Other names: short protein forms C60W.
Identifiers: ClinVar variation 4994119 (VCV004994119.1).

ClinVar aggregate classification (germline): Uncertain significance (1 of 4 stars; one submission).

Conditions:
LRRC45-related disorder. Also called: LRRC45-related condition.

Submission:

PreventionGenetics, part of Exact Sciences
Classification: Uncertain significance for LRRC45-related condition. Last evaluated: 2026-07-15. Review status: criteria provided, single submitter. Criteria: ACMG Guidelines, 2015. Collection method: clinical testing. Allele origin: germline.
Comment: The LRRC45 c.180C>G variant is predicted to result in the amino acid substitution p.Cys60Trp. To our knowledge, this variant has not been reported in the literature or in a large population database (gnomAD), indicating this variant is rare. At this time, the clinical significance of this variant is uncertain due to the absence of conclusive functional and genetic evidence.